The following is an entry in ClinVar:

ClinVar aggregate classification (germline): Uncertain significance (1 of 4 stars; one submission).

Conditions:
Gastrointestinal stromal tumor. Also called: Gastrointestinal stroma tumor; Gastrointestinal stromal tumor, somatic. Identifiers: Orphanet 44890, MedGen C0238198, MeSH D046152, MONDO:0011719, OMIM 606764, HP:0100723.

Submission:

Labcorp Genetics (formerly Invitae), Labcorp
Classification: Uncertain significance for Gastrointestinal stromal tumor. Last evaluated: 2023-03-16. Review status: criteria provided, single submitter. Criteria: Invitae Variant Classification Sherloc (09022015). Collection method: clinical testing. Allele origin: germline.
Comment: This variant has not been reported in the literature in individuals affected with PDGFRA-related conditions. In summary, the available evidence is currently insufficient to determine the role of this variant in disease. Therefore, it has been classified as a Variant of Uncertain Significance. Algorithms developed to predict the effect of sequence changes on RNA splicing suggest that this variant may disrupt the consensus splice site. This variant is not present in population databases (gnomAD no frequency). This sequence change falls in intron 8 of the PDGFRA gene. It does not directly change the encoded amino acid sequence of the PDGFRA protein.

NM_006206.6(PDGFRA):c.1238-17_1238-15del

Gene: PDGFRA (platelet derived growth factor receptor alpha; plus strand). Cytogenetic location: 4q12.
Variant type: Microsatellite.
Coding change: c.1238-17_1238-15del on transcript NM_006206.6 (MANE Select); 17 bases into the intron before coding-DNA position 1238 through 15 bases into the intron before coding-DNA position 1238, 3 bases deleted (CTT; older notation c.1238-17_1238-15delCTT).
Molecular consequence: intron variant.
Genome position (GRCh38, 1-based): chr4:54,272,377-54,272,379, CTT deleted; deleting any 3 consecutive bases within chr4:54,272,374-54,272,379 gives the same sequence; the c. name uses the placement nearest the transcript's 3' end. VCF-style (leftmost placement, unchanged base first): chr4-54272373-ACTT-A. GRCh37 (hg19) VCF-style: chr4-55138540-ACTT-A.
Other names: c.1313-17_1313-15del (NM_001347828.2); c.1238-17_1238-15del (NM_001347827.2, NM_001347829.2); c.1277-17_1277-15del (NM_001347830.2).
Identifiers: ClinVar variation 2419723 (VCV002419723.13), dbSNP rs2475481099, ClinGen allele CA2580616100.
Genomic context (GRCh38, chr4:54,272,373, plus strand): 5'-GTGAACTCATATTCCACTTTGTAGTCTCATATGTTCTGGGACACGAGCTATTCCATTCTG[ACTT>A]CTTTCTGCCTCTTGCAGTTCCTTCATCCATTCTGGACTTGGTCGATGATCACCATGGCTC-3'